The following is an entry in ClinVar:

ClinVar aggregate classification (germline): Pathogenic (1 of 4 stars; one submission).

Conditions:
Neurodevelopmental disorder with or without early-onset generalized epilepsy. Identifiers: MedGen C5436914, MONDO:0030930, OMIM 619157.

Submission:

Juno Genomics, Hangzhou Juno Genomics, Inc
Classification: Pathogenic for Neurodevelopmental disorder with or without early-onset generalized epilepsy. Review status: criteria provided, single submitter. Criteria: ACMG Guidelines, 2015. Collection method: clinical testing. Allele origin: germline. Affected: yes.
Comment: Absent from controls (or at extremely low frequency if recessive) in Genome Aggregation Database.;Null variant in a gene where loss of function (LOF) is a known mechanism of disease.;Patient's phenotype or family history is highly specific for a disease with a single genetic etiology.

NM_001385012.1(NBEA):c.502_503dup (p.Ser168fs)

Gene: NBEA (neurobeachin; plus strand). Cytogenetic location: 13q13.3.
Variant type: Duplication.
Coding change: c.502_503dup on transcript NM_001385012.1 (MANE Select); coding-DNA positions 502 to 503, 2 bases duplicated (AG; older notation c.502_503dupAG).
Protein change: p.Ser168fs; shifts the reading frame from serine 168.
Molecular consequence: frameshift variant.
Genome position (GRCh38, 1-based): chr13:35,041,140-35,041,141, AG duplicated; duplicating any 2 consecutive bases within chr13:35,041,139-35,041,141 gives the same sequence; the c. name uses the placement nearest the transcript's 3' end. VCF-style (leftmost placement, unchanged base first): chr13-35041138-T-TGA. GRCh37 (hg19) VCF-style: chr13-35615275-T-TGA.
Other names: c.502_503dup, p.Ser168fs (NM_001379245.1, NM_015678.5); short protein forms S168fs.
Identifiers: ClinVar variation 5019638 (VCV005019638.1).